The following is an entry in ClinVar:

NM_005861.4(STUB1):c.612C>G (p.His204Gln)

Genes: JMJD8 (jumonji domain containing 8; minus strand), STUB1 (STIP1 homology and U-box containing protein 1; plus strand). Cytogenetic location: 16p13.3.
Variant type: single nucleotide variant.
Coding change: c.612C>G on transcript NM_005861.4 (MANE Select); coding-DNA position 612, C replaced by G.
Protein change: p.His204Gln; replaces histidine 204 with glutamine.
Molecular consequence: missense variant. On other transcripts: 3 prime UTR variant (5), non-coding transcript variant (3).
Genome position (GRCh38, 1-based): chr16:681,880, C>G. VCF-style: chr16-681880-C-G. GRCh37 (hg19) VCF-style: chr16-731880-C-G.
Other names: c.396C>G, p.His132Gln (NM_001293197.2); c.*914G>C (NM_001005920.4, NM_001323919.3, NM_001323920.3); c.*948G>C (NM_001323918.3, NM_001323922.3); short protein forms H132Q, H204Q.
Identifiers: ClinVar variation 4855420 (VCV004855420.1).

ClinVar aggregate classification (germline): Uncertain significance (1 of 4 stars; one submission).

Conditions:
Autosomal recessive spinocerebellar ataxia 16. Identifiers: Orphanet 412057, MedGen C5190574, MONDO:0014339, OMIM 615768.

Submission:

3billion
Classification: Uncertain significance for Autosomal recessive spinocerebellar ataxia 16. Last evaluated: 2025-12-14. Review status: criteria provided, single submitter. Criteria: ACMG Guidelines, 2015. Collection method: clinical testing. Allele origin: germline. Affected: yes.
Comment: The variant is not observed in the gnomAD v4.1.0 dataset. Predicted Consequence/Location: Missense variant In silico tools predict the variant to alter splicing and produce an abnormal transcript [SpliceAI: 0.31 (>=0.2, moderate evidence for spliceogenicity)]. Different missense changes at the same codon have been reported as of uncertain significance (ClinVar ID: VCV003389652). Therefore, this variant is classified as VUS according to the recommendation of ACMG/AMP guideline.